The following is an entry in ClinVar:

NM_001184.4(ATR):c.6775C>T (p.Leu2259Phe)

Gene: ATR (ATR checkpoint kinase; minus strand). Cytogenetic location: 3q23.
Variant type: single nucleotide variant.
Coding change: c.6775C>T on transcript NM_001184.4 (MANE Select); coding-DNA position 6775, C replaced by T.
Protein change: p.Leu2259Phe; replaces leucine 2259 with phenylalanine.
Molecular consequence: missense variant.
Genome position (GRCh38, 1-based): chr3:142,466,446, G>A on the plus strand (C>T on the coding strand, the complement: ATR is on the minus strand). VCF-style: chr3-142466446-G-A. GRCh37 (hg19) VCF-style: chr3-142185288-G-A.
Other names: c.6583C>T, p.Leu2195Phe (NM_001354579.2); short protein forms L2259F, L2195F.
Identifiers: ClinVar variation 1461597 (VCV001461597.8), dbSNP rs2071133204, ClinGen allele CA354801795.

ClinVar aggregate classification (germline): Uncertain significance (1 of 4 stars; one submission).

Submission:

Labcorp Genetics (formerly Invitae), Labcorp
Classification: Uncertain significance. Last evaluated: 2021-06-05. Review status: criteria provided, single submitter. Criteria: Invitae Variant Classification Sherloc (09022015). Collection method: clinical testing. Allele origin: germline.
Comment: In summary, the available evidence is currently insufficient to determine the role of this variant in disease. Therefore, it has been classified as a Variant of Uncertain Significance. Algorithms developed to predict the effect of missense changes on protein structure and function are either unavailable or do not agree on the potential impact of this missense change (SIFT: "Deleterious"; PolyPhen-2: "Possibly Damaging"; Align-GVGD: "Class C0"). This variant has not been reported in the literature in individuals with ATR-related conditions. This variant is not present in population databases (ExAC no frequency). This sequence change replaces leucine with phenylalanine at codon 2259 of the ATR protein (p.Leu2259Phe). The leucine residue is highly conserved and there is a small physicochemical difference between leucine and phenylalanine.